The following is an entry in ClinVar:

NM_000038.6(APC):c.6268C>G (p.His2090Asp)

Gene: APC (APC regulator of Wnt signaling pathway; plus strand). Cytogenetic location: 5q22.2.
Variant type: single nucleotide variant.
Coding change: c.6268C>G on transcript NM_000038.6 (MANE Select); coding-DNA position 6268, C replaced by G.
Protein change: p.His2090Asp; replaces histidine 2090 with aspartic acid.
Molecular consequence: missense variant. On other transcripts: non-coding transcript variant (2).
Genome position (GRCh38, 1-based): chr5:112,841,862, C>G. VCF-style: chr5-112841862-C-G. GRCh37 (hg19) VCF-style: chr5-112177559-C-G.
Other names: c.6268C>G, p.His2090Asp (NM_001127510.3, NM_001354895.2, NM_001407450.1); c.6214C>G, p.His2072Asp (NM_001127511.3); c.6322C>G, p.His2108Asp (NM_001354896.2, NM_001407447.1, NM_001407448.1 and 1 more transcripts); c.6298C>G, p.His2100Asp (NM_001354897.2); c.6193C>G, p.His2065Asp (NM_001354898.2); c.6184C>G, p.His2062Asp (NM_001354899.2); c.6145C>G, p.His2049Asp (NM_001354900.2); c.6091C>G, p.His2031Asp (NM_001354901.2, NM_001407453.1); and 11 more; short protein forms H1930D, H2031D, H2062D, H2100D, H1989D, H1999D, H2007D, H2080D.
Identifiers: ClinVar variation 3411369 (VCV003411369.1).

ClinVar aggregate classification (germline): Uncertain significance (1 of 4 stars; one submission).

Conditions:
Hereditary cancer-predisposing syndrome. Also called: Neoplastic Syndromes, Hereditary; Tumor predisposition; Hereditary Cancer Syndrome; Hereditary neoplastic syndrome. Identifiers: Orphanet 140162, MedGen C0027672, MeSH D009386, MONDO:0015356.

Submission:

Ambry Genetics
Classification: Uncertain significance for Hereditary cancer-predisposing syndrome. Last evaluated: 2024-09-25. Review status: criteria provided, single submitter. Criteria: Ambry Variant Classification Scheme 2023. Collection method: clinical testing. Allele origin: germline.
Comment: The p.H2090D variant (also known as c.6268C>G), located in coding exon 15 of the APC gene, results from a C to G substitution at nucleotide position 6268. The histidine at codon 2090 is replaced by aspartic acid, an amino acid with similar properties. This amino acid position is conserved. In addition, in silico predictors for this gene do not accurately predict pathogenicity. Based on the available evidence, the clinical significance of this variant remains unclear.